The following is an entry in ClinVar:

NM_001614.5(ACTG1):c.807G>A (p.Met269Ile)

Gene: ACTG1 (actin gamma 1; minus strand). Cytogenetic location: 17q25.3.
Variant type: single nucleotide variant.
Coding change: c.807G>A on transcript NM_001614.5 (MANE Select); coding-DNA position 807, G replaced by A.
Protein change: p.Met269Ile; replaces methionine 269 with isoleucine.
Molecular consequence: missense variant. On other transcripts: non-coding transcript variant (1).
Genome position (GRCh38, 1-based): chr17:81,511,104, C>T on the plus strand (G>A on the coding strand, the complement: ACTG1 is on the minus strand). VCF-style: chr17-81511104-C-T. GRCh37 (hg19) VCF-style: chr17-79478130-C-T.
Other names: c.807G>A, p.Met269Ile (NM_001199954.3); short protein forms M269I.
Identifiers: ClinVar variation 1414248 (VCV001414248.6), dbSNP rs2143775969, ClinGen allele CA401459523.

ClinVar aggregate classification (germline): Uncertain significance (1 of 4 stars; one submission).

Conditions:
Autosomal dominant nonsyndromic hearing loss 20. Identifiers: Orphanet 90635, MedGen C1858172, MONDO:0011480, OMIM 604717.
Baraitser-winter syndrome 2. Identifiers: Orphanet 2995, MedGen C3281235, MONDO:0013812, OMIM 614583.

Submission:

Labcorp Genetics (formerly Invitae), Labcorp
Classification: Uncertain significance for Baraitser-winter syndrome 2; Autosomal dominant nonsyndromic hearing loss 20. Last evaluated: 2021-08-31. Review status: criteria provided, single submitter. Criteria: Invitae Variant Classification Sherloc (09022015). Collection method: clinical testing. Allele origin: germline.
Comment: This sequence change replaces methionine with isoleucine at codon 269 of the ACTG1 protein (p.Met269Ile). The methionine residue is highly conserved and there is a small physicochemical difference between methionine and isoleucine. This variant is not present in population databases (ExAC no frequency). This variant has not been reported in the literature in individuals affected with ACTG1-related conditions. Algorithms developed to predict the effect of missense changes on protein structure and function are either unavailable or do not agree on the potential impact of this missense change (SIFT: "Tolerated"; PolyPhen-2: "Possibly Damaging"; Align-GVGD: "Class C0"). In summary, the available evidence is currently insufficient to determine the role of this variant in disease. Therefore, it has been classified as a Variant of Uncertain Significance.